The following is an entry in ClinVar:

NM_000059.4(BRCA2):c.4346T>A (p.Phe1449Tyr)

Gene: BRCA2 (BRCA2 DNA repair associated; plus strand). Cytogenetic location: 13q13.1.
Variant type: single nucleotide variant.
Coding change: c.4346T>A on transcript NM_000059.4 (MANE Select); coding-DNA position 4346, T replaced by A.
Protein change: p.Phe1449Tyr; replaces phenylalanine 1449 with tyrosine.
Molecular consequence: missense variant. On other transcripts: non-coding transcript variant (1), intron variant (2).
Genome position (GRCh38, 1-based): chr13:32,338,701, T>A. VCF-style: chr13-32338701-T-A. GRCh37 (hg19) VCF-style: chr13-32912838-T-A.
Other names: c.4346T>A, p.Phe1449Tyr (NM_001406719.1, NM_001406720.1); c.1909+5314T>A (NM_001406721.1); c.425-5857T>A (NM_001406722.1); short protein forms F1449Y.
Identifiers: ClinVar variation 3226743 (VCV003226743.1), dbSNP rs2137505361, ClinGen allele CA387780905.

ClinVar aggregate classification (germline): Uncertain significance (1 of 4 stars; one submission).

Conditions:
Hereditary cancer-predisposing syndrome. Also called: Neoplastic Syndromes, Hereditary; Tumor predisposition; Hereditary neoplastic syndrome; Hereditary Cancer Syndrome. Identifiers: Orphanet 140162, MedGen C0027672, MeSH D009386, MONDO:0015356.

Submission:

Ambry Genetics
Classification: Uncertain significance for Hereditary cancer-predisposing syndrome. Last evaluated: 2023-09-24. Review status: criteria provided, single submitter. Criteria: Ambry Variant Classification Scheme 2023. Collection method: clinical testing. Allele origin: germline.
Comment: The p.F1449Y variant (also known as c.4346T>A), located in coding exon 10 of the BRCA2 gene, results from a T to A substitution at nucleotide position 4346. The phenylalanine at codon 1449 is replaced by tyrosine, an amino acid with highly similar properties. This amino acid position is conserved. In addition, this alteration is predicted to be tolerated by in silico analysis. Since supporting evidence is limited at this time, the clinical significance of this alteration remains unclear.